The following is an entry in ClinVar:

NM_019032.6(ADAMTSL4):c.475T>C (p.Tyr159His)

Genes: ADAMTSL4 (ADAMTS like 4; plus strand), ADAMTSL4-AS2 (ADAMTSL4 antisense RNA 2; minus strand). Cytogenetic location: 1q21.2.
Variant type: single nucleotide variant.
Coding change: c.475T>C on transcript NM_019032.6 (MANE Select); coding-DNA position 475, T replaced by C.
Protein change: p.Tyr159His; replaces tyrosine 159 with histidine.
Molecular consequence: missense variant.
Genome position (GRCh38, 1-based): chr1:150,553,466, T>C. VCF-style: chr1-150553466-T-C. GRCh37 (hg19) VCF-style: chr1-150525942-T-C.
Other names: c.475T>C, p.Tyr159His (NM_001288607.2, NM_001288608.2, NM_001378596.1 and 1 more transcripts); short protein forms Y159H.
Identifiers: ClinVar variation 2059911 (VCV002059911.1), dbSNP rs138212692, ClinGen allele CA1077967.

ClinVar aggregate classification (germline): Uncertain significance (1 of 4 stars; one submission).

Allele frequency attached by ClinVar (database versions not stated): TOPMed 0.00001; ExAC 0.00002; gnomAD 0.00002; gnomAD exomes 0.00002; ESP Exome Variant Server 0.00008; 1000 Genomes Project 30x 0.00016; 1000 Genomes Project 0.00020.
gnomAD v4.1: 26 of 1,613,776 alleles (0.0016%); highest among the groups gnomAD compares: Non-Finnish European, 0.002%; no homozygotes.

Submission:

Labcorp Genetics (formerly Invitae), Labcorp
Classification: Uncertain significance. Last evaluated: 2022-07-09. Review status: criteria provided, single submitter. Criteria: Invitae Variant Classification Sherloc (09022015). Collection method: clinical testing. Allele origin: germline.
Comment: This sequence change replaces tyrosine, which is neutral and polar, with histidine, which is basic and polar, at codon 159 of the ADAMTSL4 protein (p.Tyr159His). This variant is present in population databases (rs138212692, gnomAD 0.004%). This variant has not been reported in the literature in individuals affected with ADAMTSL4-related conditions. Algorithms developed to predict the effect of missense changes on protein structure and function are either unavailable or do not agree on the potential impact of this missense change (SIFT: "Tolerated"; PolyPhen-2: "Possibly Damaging"; Align-GVGD: "Class C0"). In summary, the available evidence is currently insufficient to determine the role of this variant in disease. Therefore, it has been classified as a Variant of Uncertain Significance.